The following is an entry in ClinVar:

ClinVar aggregate classification (germline): Uncertain significance (1 of 4 stars; one submission).

Submission:

Mayo Clinic Laboratories, Mayo Clinic
Classification: Uncertain significance. Last evaluated: 2025-04-29. Review status: criteria provided, single submitter. Criteria: ACMG Guidelines, 2015. Collection method: clinical testing. Allele origin: germline. Observed: 1 variant allele.
Comment: BP4, PM2_supporting

NM_000235.4(LIPA):c.968G>A (p.Ser323Asn)

Gene: LIPA (lipase A, lysosomal acid type; minus strand). Cytogenetic location: 10q23.31.
Variant type: single nucleotide variant.
Coding change: c.968G>A on transcript NM_000235.4 (MANE Select); coding-DNA position 968, G replaced by A.
Protein change: p.Ser323Asn; replaces serine 323 with asparagine.
Molecular consequence: missense variant.
Genome position (GRCh38, 1-based): chr10:89,215,060, C>T on the plus strand (G>A on the coding strand, the complement: LIPA is on the minus strand). VCF-style: chr10-89215060-C-T. GRCh37 (hg19) VCF-style: chr10-90974817-C-T.
Other names: p.Ser323Asn; c.968G>A, p.Ser323Asn (NM_001127605.3, NM_001440818.1, NM_001440819.1 and 16 more transcripts); c.620G>A, p.Ser207Asn (NM_001288979.2); c.1100G>A, p.Ser367Asn (NM_001440836.1); c.989G>A, p.Ser330Asn (NM_001440837.1); c.983G>A, p.Ser328Asn (NM_001440838.1); c.800G>A, p.Ser267Asn (NM_001440839.1); short protein forms S328N, S323N, S330N, S207N, S367N, S267N.
Identifiers: ClinVar variation 4541562 (VCV004541562.1).
Genomic context (GRCh38, chr10:89,215,060, plus strand): 5'-CCCCCGCTCCAGACTGCAGTCGGCACAAGCATGTCCTTCACATTGTATGTGGGAGGATAA[C>T]TCTACAATGAAAAGGAACCAGAGAAAGCCTCGTTGTTGTTGTTGTTTTAATTTTCAAAAT-3'
Protein context (NP_000226.2, residues 313-333): SAKNYFHYNQ[Ser323Asn]YPPTYNVKDM